The following is an entry in ClinVar:

ClinVar aggregate classification (germline): Uncertain significance (1 of 4 stars; one submission).

Conditions:
Inborn genetic diseases. Identifiers: MedGen C0950123, MeSH D030342.

gnomAD v4.1: 1 of 1,602,724 alleles (0.000062%); highest among the groups gnomAD compares: Admixed American, 0.0017%; no homozygotes.

Submission:

Ambry Genetics
Classification: Uncertain significance for Inborn genetic diseases. Last evaluated: 2026-08-24. Review status: criteria provided, single submitter. Criteria: Ambry Variant Classification Scheme 2023. Collection method: clinical testing. Allele origin: germline.
Comment: The p.D72G variant (also known as c.215A>G), located in coding exon 1 of the MIB1 gene, results from an A to G substitution at nucleotide position 215. The aspartic acid at codon 72 is replaced by glycine, an amino acid with similar properties. This amino acid position is conserved. In addition, this alteration is predicted to be deleterious by in silico analysis. Based on the available evidence, the clinical significance of this variant remains unclear.

NM_020774.4(MIB1):c.215A>G (p.Asp72Gly)

Gene: MIB1 (MIB E3 ubiquitin protein ligase 1; plus strand). Cytogenetic location: 18q11.2.
Variant type: single nucleotide variant.
Coding change: c.215A>G on transcript NM_020774.4 (MANE Select); coding-DNA position 215, A replaced by G.
Protein change: p.Asp72Gly; replaces aspartic acid 72 with glycine.
Molecular consequence: missense variant.
Genome position (GRCh38, 1-based): chr18:21,741,798, A>G. VCF-style: chr18-21741798-A-G. GRCh37 (hg19) VCF-style: chr18-19321759-A-G.
Other names: short protein forms D72G.
Identifiers: ClinVar variation 5024457 (VCV005024457.1).